The following is an entry in ClinVar:

NM_015488.5(PNKD):c.958C>G (p.Arg320Gly)

Genes: CATIP-AS2 (CATIP antisense RNA 2; minus strand), PNKD (PNKD metallo-beta-lactamase domain containing; plus strand). Cytogenetic location: 2q35.
Variant type: single nucleotide variant.
Coding change: c.958C>G on transcript NM_015488.5 (MANE Select); coding-DNA position 958, C replaced by G.
Protein change: p.Arg320Gly; replaces arginine 320 with glycine.
Molecular consequence: missense variant.
Genome position (GRCh38, 1-based): chr2:218,344,544, C>G. VCF-style: chr2-218344544-C-G. GRCh37 (hg19) VCF-style: chr2-219209267-C-G.
Other names: c.886C>G, p.Arg296Gly (NM_022572.5); short protein forms R320G, R296G.
Identifiers: ClinVar variation 3015805 (VCV003015805.3), dbSNP rs1009710207, ClinGen allele CA350542947.

ClinVar aggregate classification (germline): Uncertain significance (1 of 4 stars; one submission).

Conditions:
Paroxysmal nonkinesigenic dyskinesia. Also called: Paroxysmal non-kinesigenic dyskinesia. Identifiers: Orphanet 98810, MedGen C1869117, MONDO:0700088.

Submission:

Labcorp Genetics (formerly Invitae), Labcorp
Classification: Uncertain significance for Paroxysmal nonkinesigenic dyskinesia. Last evaluated: 2023-07-25. Review status: criteria provided, single submitter. Criteria: Invitae Variant Classification Sherloc (09022015). Collection method: clinical testing. Allele origin: germline.
Comment: This sequence change replaces arginine, which is basic and polar, with glycine, which is neutral and non-polar, at codon 320 of the PNKD protein (p.Arg320Gly). This variant is not present in population databases (gnomAD no frequency). This variant has not been reported in the literature in individuals affected with PNKD-related conditions. Advanced modeling of protein sequence and biophysical properties (such as structural, functional, and spatial information, amino acid conservation, physicochemical variation, residue mobility, and thermodynamic stability) performed at Invitae indicates that this missense variant is not expected to disrupt PNKD protein function. In summary, the available evidence is currently insufficient to determine the role of this variant in disease. Therefore, it has been classified as a Variant of Uncertain Significance.